The following is an entry in ClinVar:

ClinVar aggregate classification (germline): Uncertain significance (1 of 4 stars; one submission).

Allele frequency attached by ClinVar (database versions not stated): gnomAD exomes below 0.00001.
gnomAD v4.1: 4 of 1,614,070 alleles (0.00025%); highest among the groups gnomAD compares: Non-Finnish European, 0.00034%; no homozygotes.

Submission:

GeneDx
Classification: Uncertain significance. Last evaluated: 2020-05-22. Review status: criteria provided, single submitter. Criteria: GeneDx Variant Classification Process June 2021. Collection method: clinical testing. Allele origin: germline. Affected: yes.
Comment: Not observed in large population cohorts (Lek et al., 2016); In silico analysis, which includes protein predictors and evolutionary conservation, supports a deleterious effect; Has not been previously published as pathogenic or benign to our knowledge

NM_004959.5(NR5A1):c.1184A>G (p.Glu395Gly)

Gene: NR5A1 (nuclear receptor subfamily 5 group A member 1; minus strand). Cytogenetic location: 9q33.3.
Variant type: single nucleotide variant.
Coding change: c.1184A>G on transcript NM_004959.5 (MANE Select); coding-DNA position 1184, A replaced by G.
Protein change: p.Glu395Gly; replaces glutamic acid 395 with glycine.
Molecular consequence: missense variant.
Genome position (GRCh38, 1-based): chr9:124,482,960, T>C on the plus strand (A>G on the coding strand, the complement: NR5A1 is on the minus strand). VCF-style: chr9-124482960-T-C. GRCh37 (hg19) VCF-style: chr9-127245239-T-C.
Other names: short protein forms E395G.
Identifiers: ClinVar variation 1310450 (VCV001310450.2), dbSNP rs2131269315, ClinGen allele CA374878886.